The following is an entry in ClinVar:

ClinVar aggregate classification (germline): Pathogenic (1 of 4 stars; one submission).

Submission:

GeneDx
Classification: Pathogenic. Last evaluated: 2024-03-06. Review status: criteria provided, single submitter. Criteria: GeneDx Variant Classification Process June 2021. Collection method: clinical testing. Allele origin: germline. Affected: yes.
Comment: Frameshift variant predicted to result in protein truncation or nonsense mediated decay in a gene for which loss-of-function is a known mechanism of disease; Not observed at significant frequency in large population cohorts (gnomAD); Has not been previously published as pathogenic or benign to our knowledge

NM_020719.3(PRR12):c.1479_1480del (p.Cys494fs)

Gene: PRR12 (proline rich 12; plus strand). Cytogenetic location: 19q13.33.
Variant type: Deletion.
Coding change: c.1479_1480del on transcript NM_020719.3 (MANE Select); coding-DNA positions 1479 to 1480, 2 bases deleted (AT; older notation c.1479_1480delAT).
Protein change: p.Cys494fs; shifts the reading frame from cysteine 494.
Molecular consequence: frameshift variant.
Genome position (GRCh38, 1-based): chr19:49,595,814-49,595,815, AT deleted. VCF-style (leftmost placement, unchanged base first): chr19-49595813-CAT-C. GRCh37 (hg19) VCF-style: chr19-50099070-CAT-C.
Other names: short protein forms C494fs.
Identifiers: ClinVar variation 3343930 (VCV003343930.1).